The following is an entry in ClinVar:

NM_006493.4(CLN5):c.359T>C (p.Ile120Thr)

Gene: CLN5 (CLN5 lysosomal BMP synthase; plus strand). Cytogenetic location: 13q22.3.
Variant type: single nucleotide variant.
Coding change: c.359T>C on transcript NM_006493.4 (MANE Select); coding-DNA position 359, T replaced by C.
Protein change: p.Ile120Thr; replaces isoleucine 120 with threonine.
Molecular consequence: missense variant.
Genome position (GRCh38, 1-based): chr13:76,995,921, T>C. VCF-style: chr13-76995921-T-C. GRCh37 (hg19) VCF-style: chr13-77570056-T-C.
Other names: c.359T>C, p.Ile120Thr (NM_001366624.2); short protein forms I169T, I120T.
Identifiers: ClinVar variation 2892899 (VCV002892899.1), dbSNP rs2501139421, ClinGen allele CA388308676.

ClinVar aggregate classification (germline): Uncertain significance (1 of 4 stars; one submission).

Conditions:
Neuronal ceroid lipofuscinosis. Also called: Neuronal Ceroid Lipofuscinoses. Identifiers: Orphanet 216, Orphanet 79263, MedGen C0027877, MONDO:0016295. Disease mechanism: loss of function.

Allele frequency attached by ClinVar (database versions not stated): gnomAD exomes below 0.00001.
gnomAD v4.1: 1 of 1,614,094 alleles (0.000062%); highest among the groups gnomAD compares: Non-Finnish European, 0.000085%; no homozygotes.

Submission:

Labcorp Genetics (formerly Invitae), Labcorp
Classification: Uncertain significance for Neuronal ceroid lipofuscinosis. Last evaluated: 2023-08-02. Review status: criteria provided, single submitter. Criteria: Invitae Variant Classification Sherloc (09022015). Collection method: clinical testing. Allele origin: germline.
Comment: In summary, the available evidence is currently insufficient to determine the role of this variant in disease. Therefore, it has been classified as a Variant of Uncertain Significance. Advanced modeling of protein sequence and biophysical properties (such as structural, functional, and spatial information, amino acid conservation, physicochemical variation, residue mobility, and thermodynamic stability) performed at Invitae indicates that this missense variant is expected to disrupt CLN5 protein function. This variant has not been reported in the literature in individuals affected with CLN5-related conditions. This variant is not present in population databases (gnomAD no frequency). This sequence change replaces isoleucine, which is neutral and non-polar, with threonine, which is neutral and polar, at codon 169 of the CLN5 protein (p.Ile169Thr).